The following is an entry in ClinVar:

NM_017934.7(PHIP):c.4066A>G (p.Ile1356Val)

Genes: IRAK1BP1 (interleukin 1 receptor associated kinase 1 binding protein 1; plus strand), PHIP (PHIP subunit of CUL4-Ring ligase complex; minus strand). Cytogenetic location: 6q14.1.
Variant type: single nucleotide variant.
Coding change: c.4066A>G on transcript NM_017934.7 (MANE Select); coding-DNA position 4066, A replaced by G.
Protein change: p.Ile1356Val; replaces isoleucine 1356 with valine.
Molecular consequence: missense variant.
Genome position (GRCh38, 1-based): chr6:78,947,763, T>C on the plus strand (A>G on the coding strand, the complement: PHIP is on the minus strand). VCF-style: chr6-78947763-T-C. GRCh37 (hg19) VCF-style: chr6-79657480-T-C.
Other names: short protein forms I1356V.
Identifiers: ClinVar variation 5002418 (VCV005002418.1).

ClinVar aggregate classification (germline): Uncertain significance (1 of 4 stars; one submission).

Conditions:
PHIP-related disorder. Also called: PHIP-related condition; PHIP-related disorders.

Submission:

PreventionGenetics, part of Exact Sciences
Classification: Uncertain significance for PHIP-related condition. Last evaluated: 2024-12-09. Review status: criteria provided, single submitter. Criteria: ACMG Guidelines, 2015. Collection method: clinical testing. Allele origin: germline.
Comment: The PHIP c.4066A>G variant is predicted to result in the amino acid substitution p.Ile1356Val. To our knowledge, this variant has not been reported in the literature or in a large population database (gnomAD), indicating this variant is rare. At this time, the clinical significance of this variant is uncertain due to the absence of conclusive functional and genetic evidence.